The following is an entry in ClinVar:

ClinVar aggregate classification (germline): Uncertain significance (1 of 4 stars; one submission).

Conditions:
Myofibrillar myopathy 4. Also called: Zaspopathy (type). Identifiers: Orphanet 98912, MedGen C4721886, MONDO:0012277, OMIM 609452.

Submission:

Labcorp Genetics (formerly Invitae), Labcorp
Classification: Uncertain significance for Myofibrillar myopathy 4. Last evaluated: 2022-11-07. Review status: criteria provided, single submitter. Criteria: Invitae Variant Classification Sherloc (09022015). Collection method: clinical testing. Allele origin: unknown.
Comment: In summary, the available evidence is currently insufficient to determine the role of this variant in disease. Therefore, it has been classified as a Variant of Uncertain Significance. This variant has not been reported in the literature in individuals affected with LDB3-related conditions. This variant is a gross deletion of the genomic region encompassing exon(s) 4-6 of the LDB3 gene. This deletion is out-of-frame, and is expected to create a premature translational stop signal and result in an absent or disrupted protein product. However, the current clinical and genetic evidence is not sufficient to establish whether loss-of-function variants in LDB3 cause disease.

NC_000010.10:g.(?_88445415)_(88451842_?)del

Gene: LDB3 (LIM domain binding 3; plus strand). Cytogenetic location: 10q23.2.
Variant type: Deletion.
Identifiers: ClinVar variation 3244836 (VCV003244836.1).